The following is an entry in ClinVar:

ClinVar aggregate classification (germline): Uncertain significance (1 of 4 stars; one submission).

Conditions:
Cardiovascular phenotype. Identifiers: MedGen CN230736.

Allele frequency attached by ClinVar (database versions not stated): gnomAD exomes below 0.00001; TOPMed below 0.00001; gnomAD 0.00001.
gnomAD v4.1: 5 of 1,608,306 alleles (0.00031%); highest among the groups gnomAD compares: Non-Finnish European, 0.00042%; no homozygotes.

Submission:

Ambry Genetics
Classification: Uncertain significance for Cardiovascular phenotype. Last evaluated: 2025-01-27. Review status: criteria provided, single submitter. Criteria: Ambry Variant Classification Scheme 2023. Collection method: clinical testing. Allele origin: germline.
Comment: The p.E999A variant (also known as c.2996A>C), located in coding exon 6 of the TNXB gene, results from an A to C substitution at nucleotide position 2996. The glutamic acid at codon 999 is replaced by alanine, an amino acid with dissimilar properties. This amino acid position is conserved. In addition, this alteration is predicted to be tolerated by in silico analysis. Since supporting evidence is limited at this time, the clinical significance of this alteration remains unclear.

NM_001365276.2(TNXB):c.2996A>C (p.Glu999Ala)

Gene: TNXB (tenascin XB; minus strand). Cytogenetic location: 6p21.33.
Variant type: single nucleotide variant.
Coding change: c.2996A>C on transcript NM_001365276.2 (MANE Select); coding-DNA position 2996, A replaced by C.
Protein change: p.Glu999Ala; replaces glutamic acid 999 with alanine.
Molecular consequence: missense variant.
Genome position (GRCh38, 1-based): chr6:32,085,902, T>G on the plus strand (A>C on the coding strand, the complement: TNXB is on the minus strand). VCF-style: chr6-32085902-T-G. GRCh37 (hg19) VCF-style: chr6-32053679-T-G.
Other names: c.2996A>C, p.Glu999Ala (NM_019105.8); short protein forms E999A.
Identifiers: ClinVar variation 1798573 (VCV001798573.3), dbSNP rs1291370559, ClinGen allele CA363448443.